The following is an entry in ClinVar:

ClinVar aggregate classification (germline): Benign (1 of 4 stars; one submission).

Conditions:
Juvenile polyposis/hereditary hemorrhagic telangiectasia syndrome (JPHT). Also called: JP/HHT SYNDROME; JUVENILE POLYPOSIS WITH HEREDITARY HEMORRHAGIC TELANGIECTASIA; POLYPOSIS, GENERALIZED JUVENILE, WITH PULMONARY ARTERIOVENOUS MALFORMATION; TELANGIECTASIA, HEREDITARY HEMORRHAGIC, WITH JUVENILE POLYPOSIS COLI; Juvenile Polyposis Syndrome / Hereditary Hemorrhagic Telangiectasia (JPS/HHT). Identifiers: Orphanet 2929, MedGen C1832942, MONDO:0008278, OMIM 175050.

Submission:

Myriad Genetics, Inc.
Classification: Benign for Juvenile polyposis/hereditary hemorrhagic telangiectasia syndrome. Last evaluated: 2025-03-19. Review status: criteria provided, single submitter. Criteria: Myriad Autosomal Dominant, Autosomal Recessive and X-Linked Classification Criteria (2023). Collection method: clinical testing. Allele origin: unknown.
Comment: This variant is considered benign. This variant is a silent/synonymous amino acid change and it is not expected to impact splicing.

NM_005359.6(SMAD4):c.429C>A (p.Leu143=)

Gene: SMAD4 (SMAD family member 4; plus strand). Cytogenetic location: 18q21.2.
Variant type: single nucleotide variant.
Coding change: c.429C>A on transcript NM_005359.6 (MANE Select); coding-DNA position 429, C replaced by A.
Protein change: p.Leu143=; no amino-acid change (leucine 143 retained).
Molecular consequence: synonymous variant. On other transcripts: non-coding transcript variant (2).
Genome position (GRCh38, 1-based): chr18:51,049,299, C>A. VCF-style: chr18-51049299-C-A. GRCh37 (hg19) VCF-style: chr18-48575669-C-A.
Other names: c.429C>A, p.Leu143= (NM_001407041.1, NM_001407042.1, NM_001407043.1).
Identifiers: ClinVar variation 3904080 (VCV003904080.1).